The following is an entry in ClinVar:

NM_002968.3(SALL1):c.2428A>G (p.Thr810Ala)

Gene: SALL1 (spalt like transcription factor 1; minus strand). Cytogenetic location: 16q12.1.
Variant type: single nucleotide variant.
Coding change: c.2428A>G on transcript NM_002968.3 (MANE Select); coding-DNA position 2428, A replaced by G.
Protein change: p.Thr810Ala; replaces threonine 810 with alanine.
Molecular consequence: missense variant.
Genome position (GRCh38, 1-based): chr16:51,139,794, T>C on the plus strand (A>G on the coding strand, the complement: SALL1 is on the minus strand). VCF-style: chr16-51139794-T-C. GRCh37 (hg19) VCF-style: chr16-51173705-T-C.
Other names: c.2137A>G, p.Thr713Ala (NM_001127892.2); short protein forms T713A, T810A.
Identifiers: ClinVar variation 3384232 (VCV003384232.1).

ClinVar aggregate classification (germline): Uncertain significance (1 of 4 stars; one submission).

Submission:

GeneDx
Classification: Uncertain significance. Last evaluated: 2024-06-06. Review status: criteria provided, single submitter. Criteria: GeneDx Variant Classification Process June 2021. Collection method: clinical testing. Allele origin: germline. Affected: yes.
Comment: Not observed at significant frequency in large population cohorts (gnomAD); In silico analysis indicates that this missense variant does not alter protein structure/function; Has not been previously published as pathogenic or benign to our knowledge